The following is an entry in ClinVar:

ClinVar aggregate classification (germline): Likely pathogenic (1 of 4 stars; one submission).

Conditions:
Hereditary breast ovarian cancer syndrome. Also called: Hereditary breast and ovarian cancer syndrome; Hereditary breast and ovarian cancer; Hereditary breast and ovarian cancer syndrome (HBOC); Breast and ovarian cancer; Hereditary breast and/or ovarian cancer syndrome; BRCA1- and BRCA2-Associated Hereditary Breast and Ovarian Cancer. Identifiers: Orphanet 145, MedGen C0677776, MeSH D061325, MONDO:0003582. Disease mechanism: loss of function.

Submission:

Labcorp Genetics (formerly Invitae), Labcorp
Classification: Likely pathogenic for Hereditary breast ovarian cancer syndrome. Last evaluated: 2022-01-24. Review status: criteria provided, single submitter. Criteria: Invitae Variant Classification Sherloc (09022015). Collection method: clinical testing. Allele origin: unknown.
Comment: In summary, the currently available evidence indicates that the variant is pathogenic, but additional data are needed to prove that conclusively. Therefore, this variant has been classified as Likely Pathogenic. This variant has not been reported in the literature in individuals affected with BRCA1-related conditions. This variant results in the deletion of exon 7 and part of exon 6 (c.397_548-561del) of the BRCA1 gene. It is expected to disrupt RNA splicing. Variants that disrupt the donor or acceptor splice site typically lead to a loss of protein function (PMID: 16199547), and loss-of-function variants in BRCA1 are known to be pathogenic (PMID: 20104584).

Literature cited by the submitters: PubMed 16199547; PubMed 20104584.

NC_000017.10:g.(?_41249867)_(41256183_?)del

Gene: BRCA1 (BRCA1 DNA repair associated; minus strand). Cytogenetic location: 17q21.31.
Variant type: Deletion.
Identifiers: ClinVar variation 3243025 (VCV003243025.1).